The following is an entry in ClinVar:

ClinVar aggregate classification (germline): Benign/Likely benign. Review status: criteria provided, multiple submitters, no conflicts (2 of 4 stars). 4 submissions from 4 submitters: Benign (1); Likely benign (3). Last evaluated 2025-10-05.

Conditions:
Familial cancer of breast. Also called: Hereditary breast cancer; BREAST CANCER, FAMILIAL; hereditary breast carcinoma. Identifiers: Orphanet 227535, MedGen C0346153, MONDO:0016419, OMIM 114480. Disease mechanism: loss of function.
Hereditary cancer-predisposing syndrome. Also called: Hereditary neoplastic syndrome; Tumor predisposition; Neoplastic Syndromes, Hereditary; Hereditary Cancer Syndrome. Identifiers: Orphanet 140162, MedGen C0027672, MeSH D009386, MONDO:0015356.
Fanconi anemia complementation group J. Also called: BRIP1-Related Fanconi Anemia. Identifiers: Orphanet 84, MedGen C1836860, MONDO:0012187, OMIM 609054.

Allele frequency attached by ClinVar (database versions not stated): TOPMed 0.00001.

Submissions (4):

Ambry Genetics
Classification: Likely benign for Hereditary cancer-predisposing syndrome. Last evaluated: 2025-10-05. Review status: criteria provided, single submitter. Criteria: Ambry Variant Classification Scheme 2023. Collection method: clinical testing. Allele origin: germline.

Color Diagnostics, LLC DBA Color Health
Classification: Likely benign for Hereditary cancer-predisposing syndrome. Last evaluated: 2025-04-28. Review status: criteria provided, single submitter. Criteria: ACMG Guidelines, 2015. Collection method: clinical testing. Allele origin: germline.

Labcorp Genetics (formerly Invitae), Labcorp
Classification: Likely benign for Familial cancer of breast; Fanconi anemia complementation group J. Last evaluated: 2025-01-12. Review status: criteria provided, single submitter. Criteria: Invitae Variant Classification Sherloc (09022015). Collection method: clinical testing. Allele origin: germline.

Myriad Genetics, Inc.
Classification: Benign for Familial cancer of breast. Last evaluated: 2024-09-09. Review status: criteria provided, single submitter. Criteria: Myriad Autosomal Dominant, Autosomal Recessive and X-Linked Classification Criteria (2023). Collection method: clinical testing. Allele origin: unknown.
Comment: This variant is considered benign. This variant is a silent/synonymous amino acid change and it is not expected to impact splicing.

NM_032043.3(BRIP1):c.3126A>G (p.Glu1042=)

Gene: BRIP1 (BRCA1 interacting DNA helicase 1; minus strand). Cytogenetic location: 17q23.2.
Variant type: single nucleotide variant.
Coding change: c.3126A>G on transcript NM_032043.3 (MANE Select); coding-DNA position 3126, A replaced by G.
Protein change: p.Glu1042=; no amino-acid change (glutamic acid 1042 retained).
Molecular consequence: synonymous variant.
Genome position (GRCh38, 1-based): chr17:61,683,920, T>C on the plus strand (A>G on the coding strand, the complement: BRIP1 is on the minus strand). VCF-style: chr17-61683920-T-C. GRCh37 (hg19) VCF-style: chr17-59761281-T-C.
Other names: c.3126A>G (NM_032043.2).
Identifiers: ClinVar variation 1139518 (VCV001139518.13), dbSNP rs2061319012, ClinGen allele CA501335356.